The following is an entry in ClinVar:

ClinVar aggregate classification (germline): Pathogenic. Review status: criteria provided, multiple submitters, no conflicts (2 of 4 stars). 2 submissions from 2 submitters: Pathogenic (2). Last evaluated 2026-04-09.

Conditions:
Cardiovascular phenotype. Identifiers: MedGen CN230736.
Alstrom syndrome (ALMS). Identifiers: Orphanet 64, MedGen C0268425, MONDO:0008763, OMIM 203800.

Submissions (2):

Ambry Genetics
Classification: Pathogenic for Cardiovascular phenotype. Last evaluated: 2026-04-09. Review status: criteria provided, single submitter. Criteria: Ambry Variant Classification Scheme 2023. Collection method: clinical testing. Allele origin: germline.
Comment: The c.10303delCinsGA pathogenic mutation, located in coding exon 15 of the ALMS1 gene, results from the deletion of one nucleotide and insertion of two nucleotides causing a translational frameshift with a predicted alternate stop codon (p.Q3435Efs*7). This variant is considered to be rare based on population cohorts in the Genome Aggregation Database (gnomAD). This alteration is expected to result in loss of function by premature protein truncation or nonsense-mediated mRNA decay. As such, this alteration is interpreted as a disease-causing mutation.

Labcorp Genetics (formerly Invitae), Labcorp
Classification: Pathogenic for Alstrom syndrome. Last evaluated: 2025-08-18. Review status: criteria provided, single submitter. Criteria: Invitae Variant Classification Sherloc (09022015). Collection method: clinical testing. Allele origin: germline.
Comment: This sequence change creates a premature translational stop signal (p.Gln3435Glufs*7) in the ALMS1 gene. It is expected to result in an absent or disrupted protein product. Loss-of-function variants in ALMS1 are known to be pathogenic (PMID: 17594715). Information on the frequency of this variant in the gnomAD database is not available, as this variant may be reported differently in the database. This variant has not been reported in the literature in individuals affected with ALMS1-related conditions. For these reasons, this variant has been classified as Pathogenic.

Literature cited by the submitters: PubMed 17594715 (cited by Labcorp Genetics (formerly Invitae), Labcorp).

NM_001378454.1(ALMS1):c.10300delinsGA (p.Gln3434fs)

Gene: ALMS1 (ALMS1 centrosome and basal body associated protein; plus strand). Cytogenetic location: 2p13.1.
Variant type: Indel.
Coding change: c.10300delinsGA on transcript NM_001378454.1 (MANE Select); coding-DNA position 10300, C replaced by GA.
Protein change: p.Gln3434fs; shifts the reading frame from glutamine 3434.
Molecular consequence: frameshift variant.
Genome position (GRCh38, 1-based): chr2:73,559,058, C replaced by GA. VCF-style: chr2-73559058-C-GA. GRCh37 (hg19) VCF-style: chr2-73786185-C-GA.
Other names: c.10303delinsGA, p.Gln3435fs (NM_015120.4); c.10303delCinsGA (NM_015120.4); short protein forms Q3434fs, Q3435fs.
Identifiers: ClinVar variation 403929 (VCV000403929.6), dbSNP rs1060500034, ClinGen allele CA16611025.